The following is an entry in ClinVar:

ClinVar aggregate classification (germline): Conflicting classifications of pathogenicity. Review status: criteria provided, conflicting classifications (1 of 4 stars). 6 submissions from 5 submitters: Pathogenic (1); Likely pathogenic (2); Uncertain significance (3). Last evaluated 2026-01-30.

Conditions:
Capillary malformation-arteriovenous malformation 2 (CMAVM2). Identifiers: Orphanet 693912, MedGen C4748670, MONDO:0020785, OMIM 618196.
Lymphatic malformation 7 (LMPHM7). Also called: Hydrops fetalis, nonimmune, and/or atrial septal defect, susceptibility to. Identifiers: MedGen C4310629, MONDO:0015009, OMIM 617300.
Cardiovascular phenotype. Identifiers: MedGen CN230736.

Submissions (6):

GeneDx
Classification: Uncertain significance. Last evaluated: 2026-01-30. Review status: criteria provided, single submitter. Criteria: GeneDx Variant Classification Process June 2021. Collection method: clinical testing. Allele origin: germline.
Comment: Reported in an individual with a capillary malformation; limited additional information was provided (PMID: 28687708); Not observed at significant frequency in large population cohorts (gnomAD); In silico analysis supports that this missense variant has a deleterious effect on protein structure/function; This variant is associated with the following publications: (PMID: 28687708)

Ambry Genetics
Classification: Likely pathogenic for Cardiovascular phenotype. Last evaluated: 2026-01-20. Review status: criteria provided, single submitter. Criteria: Ambry Variant Classification Scheme 2023. Collection method: clinical testing. Allele origin: germline.
Comment: The p.C856Y variant (also known as c.2567G>A), located in coding exon 15 of the EPHB4 gene, results from a G to A substitution at nucleotide position 2567. The cysteine at codon 856 is replaced by tyrosine, an amino acid with highly dissimilar properties. This variant was reported in individual(s) with features consistent with EPHB4-related vascular disorder (Amyere M et al. Circulation, 2017 Sep;136:1037-1048; Ambry internal data). Based on internal structural analysis, this variant is anticipated to disrupt a region of known function (Tr&ouml;ster A et al. ChemMedChem. 2018 Aug;13(16):1629-1633). This amino acid position is highly conserved in available vertebrate species. In addition, this alteration is predicted to be deleterious by in silico analysis. This variant is considered to be rare based on population cohorts in the Genome Aggregation Database (gnomAD). Based on the majority of available evidence to date, this variant is likely to be pathogenic.

Labcorp Genetics (formerly Invitae), Labcorp
Classification: Pathogenic. Last evaluated: 2025-12-17. Review status: criteria provided, single submitter. Criteria: Invitae Variant Classification Sherloc (09022015). Collection method: clinical testing. Allele origin: germline.
Comment: This sequence change replaces cysteine, which is neutral and slightly polar, with tyrosine, which is neutral and polar, at codon 856 of the EPHB4 protein (p.Cys856Tyr). This variant is not present in population databases (gnomAD no frequency). This missense change has been observed in individual(s) with capillary malformation-arteriovenous malformation (PMID: 28687708). In at least one individual the variant was observed to be de novo. ClinVar contains an entry for this variant (Variation ID: 691534). Invitae Evidence Modeling of protein sequence and biophysical properties (such as structural, functional, and spatial information, amino acid conservation, physicochemical variation, residue mobility, and thermodynamic stability) indicates that this missense variant is expected to disrupt EPHB4 protein function with a positive predictive value of 95%. For these reasons, this variant has been classified as Pathogenic.

Center for Genomics, Ann and Robert H. Lurie Children's Hospital of Chicago
Classification: Uncertain significance for Lymphatic malformation 7. Last evaluated: 2020-11-23. Review status: criteria provided, single submitter. Criteria: ACMG Guidelines, 2015. Collection method: clinical testing. Allele origin: germline.
Comment: EPHB4 NM_004444.4 exon 15 p.Cys856Tyr (c.2567G>A): This variant has been reported in the literature in one individual with CM-AVM (Amyere 2017 PMID:28687708). This variant is not present in large control databases and is present in ClinVar (Variation ID:691534). Evolutionary conservation and computational predictive tools suggest that this variant may impact the protein. In summary, data on this variant is insufficient for disease classification. Therefore, the clinical significance of this variant is uncertain.

SIB Swiss Institute of Bioinformatics
Classification: Likely pathogenic for Capillary malformation-arteriovenous malformation 2. Last evaluated: 2019-03-29. Review status: criteria provided, single submitter. Criteria: ACMG Guidelines, 2015. Collection method: curation. Allele origin: unknown.
Comment: This variant is interpreted as a Likely pathogenic for Capillary malformation-arteriovenous malformation 2. The following ACMG Tag(s) were applied: PM2: Absent from controls (or at extremely low frequency if recessive) in Exome Sequencing Project, 1000 Genomes Project, or Exome Aggregation Consortium. PM1: Located in a mutational hot spot and/or critical and well-established functional domain (e.g.,active site of an enzyme) without benign variation. PP3: Multiple lines of computational evidence support a deleterious effect on the gene or gene product. PM6: Assumed de novo, but without confirmation of paternity and maternity.

Center for Genomics, Ann and Robert H. Lurie Children's Hospital of Chicago
Classification: Uncertain significance for Capillary malformation-arteriovenous malformation 2; Lymphatic malformation 7. Review status: criteria provided, single submitter. Criteria: ACMG Guidelines, 2015. Collection method: clinical testing. Allele origin: germline.
Comment: the same text as in the submission from Center for Genomics, Ann and Robert H. Lurie Children's Hospital of Chicago above.

Literature cited by the submitters: PubMed 28687708 (cited by 3 submitters); PubMed 29928781 (cited by Ambry Genetics).

NM_004444.5(EPHB4):c.2567G>A (p.Cys856Tyr)

Genes: EPHB4 (EPH receptor B4; minus strand), LOC126860124 (CDK7 strongly-dependent group 2 enhancer GRCh37_chr7:100403701-100404900; plus strand). Cytogenetic location: 7q22.1.
Variant type: single nucleotide variant.
Coding change: c.2567G>A on transcript NM_004444.5 (MANE Select); coding-DNA position 2567, G replaced by A.
Protein change: p.Cys856Tyr; replaces cysteine 856 with tyrosine.
Molecular consequence: missense variant.
Genome position (GRCh38, 1-based): chr7:100,805,612, C>T on the plus strand (G>A on the coding strand, the complement: EPHB4 is on the minus strand). VCF-style: chr7-100805612-C-T. GRCh37 (hg19) VCF-style: chr7-100403234-C-T.
Other names: c.2567G>A (NM_004444.4); short protein forms C856Y.
Identifiers: ClinVar variation 691534 (VCV000691534.7), dbSNP rs1584653005, ClinGen allele CA368566995.